The following is an entry in ClinVar:

NM_000516.7(GNAS):c.520T>C (p.Cys174Arg)

Gene: GNAS (GNAS complex locus; plus strand). Cytogenetic location: 20q13.32.
Variant type: single nucleotide variant.
Coding change: c.520T>C on transcript NM_000516.7 (MANE Select); coding-DNA position 520, T replaced by C.
Protein change: p.Cys174Arg; replaces cysteine 174 with arginine.
Molecular consequence: missense variant. On other transcripts: 3 prime UTR variant (2).
Genome position (GRCh38, 1-based): chr20:58,905,470, T>C. VCF-style: chr20-58905470-T-C. GRCh37 (hg19) VCF-style: chr20-57480525-T-C.
Other names: c.523T>C, p.Cys175Arg (NM_001077488.5); c.475T>C, p.Cys159Arg (NM_001077489.4); c.*381T>C (NM_001077490.3); c.343T>C, p.Cys115Arg (NM_001309840.2, NM_001309861.2, NM_001438276.1 and 1 more transcripts); c.424T>C, p.Cys142Arg (NM_001410912.1); c.2404T>C, p.Cys802Arg (NM_001410913.1); c.298T>C, p.Cys100Arg (NM_001438273.1, NM_001438274.1, NM_001438275.1); c.*426T>C (NM_016592.5); and 2 more; short protein forms C142R, C174R, C175R, C159R, C817R, C100R, C115R, C160R.
Identifiers: ClinVar variation 5001882 (VCV005001882.1).

ClinVar aggregate classification (germline): Uncertain significance (1 of 4 stars; one submission).

Conditions:
GNAS-related disorder. Identifiers: MedGen CN380105.

Submission:

PreventionGenetics, part of Exact Sciences
Classification: Uncertain significance for GNAS-related condition. Last evaluated: 2025-07-18. Review status: criteria provided, single submitter. Criteria: ACMG Guidelines, 2015. Collection method: clinical testing. Allele origin: germline.
Comment: The GNAS c.520T>C variant is predicted to result in the amino acid substitution p.Cys174Arg. To our knowledge, this variant has not been reported in the literature or in a large population database (gnomAD), indicating this variant is rare. At this time, the clinical significance of this variant is uncertain due to the absence of conclusive functional and genetic evidence.